The following is an entry in ClinVar:

ClinVar aggregate classification (germline): Uncertain significance (1 of 4 stars; one submission).

Allele frequency attached by ClinVar (database versions not stated): ExAC 0.00001; gnomAD 0.00001.
gnomAD v4.1: 1 of 1,613,730 alleles (0.000062%); highest among the groups gnomAD compares: Non-Finnish European, 0.000085%; no homozygotes.

Submission:

Labcorp Genetics (formerly Invitae), Labcorp
Classification: Uncertain significance. Last evaluated: 2022-02-06. Review status: criteria provided, single submitter. Criteria: Invitae Variant Classification Sherloc (09022015). Collection method: clinical testing. Allele origin: germline.
Comment: This variant is present in population databases (rs748255680, gnomAD 0.0009%). In summary, the available evidence is currently insufficient to determine the role of this variant in disease. Therefore, it has been classified as a Variant of Uncertain Significance. Algorithms developed to predict the effect of missense changes on protein structure and function output the following: SIFT: "Tolerated"; PolyPhen-2: "Benign"; Align-GVGD: "Class C0". The arginine amino acid residue is found in multiple mammalian species, which suggests that this missense change does not adversely affect protein function. This variant has not been reported in the literature in individuals affected with CSF2RB-related conditions. This sequence change replaces glutamine, which is neutral and polar, with arginine, which is basic and polar, at codon 570 of the CSF2RB protein (p.Gln570Arg).

NM_000395.3(CSF2RB):c.1709A>G (p.Gln570Arg)

Gene: CSF2RB (colony stimulating factor 2 receptor subunit beta; plus strand). Cytogenetic location: 22q12.3.
Variant type: single nucleotide variant.
Coding change: c.1709A>G on transcript NM_000395.3 (MANE Select); coding-DNA position 1709, A replaced by G.
Protein change: p.Gln570Arg; replaces glutamine 570 with arginine.
Molecular consequence: missense variant.
Genome position (GRCh38, 1-based): chr22:36,937,517, A>G. VCF-style: chr22-36937517-A-G. GRCh37 (hg19) VCF-style: chr22-37333559-A-G.
Other names: c.1727A>G, p.Gln576Arg (NM_001410827.1); short protein forms Q570R, Q576R.
Identifiers: ClinVar variation 2093961 (VCV002093961.4), dbSNP rs748255680, ClinGen allele CA10213967.